The following is an entry in ClinVar:

GRCh37/hg19 20p13(chr20:61569-1091477)x1

Genes: ANGPT4 (angiopoietin 4; minus strand), C20orf96 (chromosome 20 open reading frame 96; minus strand), CSNK2A1 (casein kinase 2 alpha 1; minus strand), DEFB125 (defensin beta 125; plus strand), DEFB126 (defensin beta 126; plus strand) and 16 more. Cytogenetic location: 20p13.
Variant type: copy number loss.
Change: copy number 1 (one copy instead of two) of chr20:61,569-1,091,477 (1.03 Mb, GRCh37 coordinates, 1-based), cytogenetic band 20p13.
Identifiers: ClinVar variation 3391837 (VCV003391837.1).

ClinVar aggregate classification (germline): Likely pathogenic (1 of 4 stars; one submission).

Submission:

Quest Diagnostics Nichols Institute San Juan Capistrano
Classification: Likely pathogenic. Last evaluated: 2023-11-06. Review status: criteria provided, single submitter. Criteria: ACMG/ClinGen CNV Guidelines, 2019. Collection method: clinical testing. Allele origin: unknown.
Comment: This terminal loss of 20p13 involves multiple protein-coding genes, including SOX12 (OMIM 601947), NRSN2 (OMIM 610666), and CSNK2A1 (OMIM 115440). Deletions similar to the current interval have been reported in individuals with variable phenotypic features (An 2013, Firth 2015, Jezela-Stanek 2013, McGill 2010, Yener 2021). Thus, this copy number variant (CNV) is classified as likely pathogenic with variable expressivity. References: An et al., Am J Med Genet B Neuropsychiatr Genet. 2013 Dec;162B(8):832-40. PMID: 24019301; Firth et al., Am J Hum Genet. 2009 Apr;84(4):524-33. PMID: 19344873; Jezela-Stanek et al., Am J Med Genet A. 2013 Jan;161A(1):172-8. PMID: 23165892; McGill et al., Am J Med Genet A. 2010 Apr;152A(4):1000-7. PMID: 20358616; Yener et al., Taiwan J Obstet Gynecol. 2021 Mar;60(2):350-354. PMID: 33678341